The following is an entry in ClinVar:

ClinVar aggregate classification (germline): Uncertain significance (1 of 4 stars; one submission).

Allele frequency attached by ClinVar (database versions not stated): TOPMed below 0.00001; ExAC 0.00001; gnomAD 0.00001; ESP Exome Variant Server 0.00008.
gnomAD v4.1: 1 of 1,610,522 alleles (0.000062%); highest among the groups gnomAD compares: African/African-American, 0.0013%; no homozygotes.

Submission:

Labcorp Genetics (formerly Invitae), Labcorp
Classification: Uncertain significance. Last evaluated: 2021-12-24. Review status: criteria provided, single submitter. Criteria: Invitae Variant Classification Sherloc (09022015). Collection method: clinical testing. Allele origin: germline.
Comment: This sequence change replaces alanine, which is neutral and non-polar, with threonine, which is neutral and polar, at codon 668 of the ELP1 protein (p.Ala668Thr). This variant is present in population databases (rs369164780, gnomAD 0.007%). This variant has not been reported in the literature in individuals affected with ELP1-related conditions. Algorithms developed to predict the effect of missense changes on protein structure and function output the following: SIFT: "Tolerated"; PolyPhen-2: "Benign"; Align-GVGD: "Class C0". The threonine amino acid residue is found in multiple mammalian species, which suggests that this missense change does not adversely affect protein function. In summary, the available evidence is currently insufficient to determine the role of this variant in disease. Therefore, it has been classified as a Variant of Uncertain Significance.

NM_003640.5(ELP1):c.2002G>A (p.Ala668Thr)

Gene: ELP1 (elongator acetyltransferase complex subunit 1; minus strand). Cytogenetic location: 9q31.3.
Variant type: single nucleotide variant.
Coding change: c.2002G>A on transcript NM_003640.5 (MANE Select); coding-DNA position 2002, G replaced by A.
Protein change: p.Ala668Thr; replaces alanine 668 with threonine.
Molecular consequence: missense variant.
Genome position (GRCh38, 1-based): chr9:108,901,437, C>T on the plus strand (G>A on the coding strand, the complement: ELP1 is on the minus strand). VCF-style: chr9-108901437-C-T. GRCh37 (hg19) VCF-style: chr9-111663717-C-T.
Other names: c.1660G>A, p.Ala554Thr (NM_001318360.2); c.955G>A, p.Ala319Thr (NM_001330749.2); short protein forms A554T, A319T, A668T.
Identifiers: ClinVar variation 2195129 (VCV002195129.1), dbSNP rs369164780, ClinGen allele CA5174819.